The following is an entry in ClinVar:

NM_005419.4(STAT2):c.1577-1G>A

Gene: STAT2 (signal transducer and activator of transcription 2; minus strand). Cytogenetic location: 12q13.3.
Variant type: single nucleotide variant.
Coding change: c.1577-1G>A on transcript NM_005419.4 (MANE Select); the canonical splice acceptor site of the intron before coding-DNA position 1577, G replaced by A.
Molecular consequence: splice acceptor variant.
Genome position (GRCh38, 1-based): chr12:56,348,805, C>T on the plus strand (G>A on the coding strand, the complement: STAT2 is on the minus strand). VCF-style: chr12-56348805-C-T. GRCh37 (hg19) VCF-style: chr12-56742589-C-T.
Other names: c.1544-1G>A (NM_001385110.1); c.1535-1G>A (NM_001385115.1); c.1565-1G>A (NM_198332.2); c.1556-1G>A (NM_001385114.1); c.1478-1G>A (NM_001385111.1); c.1577-1G>A (NM_001385113.1).
Identifiers: ClinVar variation 1510719 (VCV001510719.6), dbSNP rs2136052278, ClinGen allele CA385260557.

ClinVar aggregate classification (germline): Likely pathogenic (1 of 4 stars; one submission).

Conditions:
Primary immunodeficiency with post-measles-mumps-rubella vaccine viral infection. Also called: Immunodeficiency 44. Identifiers: Orphanet 431166, MedGen C4225260, MONDO:0014715, OMIM 616636.

Submission:

Labcorp Genetics (formerly Invitae), Labcorp
Classification: Likely pathogenic for Primary immunodeficiency with post-measles-mumps-rubella vaccine viral infection. Last evaluated: 2021-11-27. Review status: criteria provided, single submitter. Criteria: Invitae Variant Classification Sherloc (09022015). Collection method: clinical testing. Allele origin: germline.
Comment: This sequence change affects an acceptor splice site in intron 17 of the STAT2 gene. It is expected to disrupt RNA splicing. Variants that disrupt the donor or acceptor splice site typically lead to a loss of protein function (PMID: 16199547), and loss-of-function variants in STAT2 are known to be pathogenic (PMID: 23391734, 26122121). In summary, the currently available evidence indicates that the variant is pathogenic, but additional data are needed to prove that conclusively. Therefore, this variant has been classified as Likely Pathogenic. Algorithms developed to predict the effect of sequence changes on RNA splicing suggest that this variant may disrupt the consensus splice site. This variant has not been reported in the literature in individuals affected with STAT2-related conditions. This variant is not present in population databases (gnomAD no frequency).

Literature cited by the submitters: PubMed 16199547; PubMed 23391734; PubMed 26122121.